The following is an entry in ClinVar:

NM_004655.4(AXIN2):c.2010C>G (p.Pro670=)

Gene: AXIN2 (axin 2; minus strand). Cytogenetic location: 17q24.1.
Variant type: single nucleotide variant.
Coding change: c.2010C>G on transcript NM_004655.4 (MANE Select); coding-DNA position 2010, C replaced by G.
Protein change: p.Pro670=; no amino-acid change (proline 670 retained).
Molecular consequence: synonymous variant.
Genome position (GRCh38, 1-based): chr17:65,536,451, G>C on the plus strand (C>G on the coding strand, the complement: AXIN2 is on the minus strand). VCF-style: chr17-65536451-G-C. GRCh37 (hg19) VCF-style: chr17-63532569-G-C.
Other names: c.2010C>G (LRG_296t1); c.1815C>G, p.Pro605= (NM_001363813.1).
Identifiers: ClinVar variation 415230 (VCV000415230.17), dbSNP rs781484593, ClinGen allele CA8718431.

ClinVar aggregate classification (germline): Benign/Likely benign. Review status: criteria provided, multiple submitters, no conflicts (2 of 4 stars). 5 submissions from 5 submitters: Benign (1); Likely benign (3). 1 of the submissions does not count toward it. Last evaluated 2025-08-03.

Conditions:
Hereditary cancer-predisposing syndrome. Also called: Tumor predisposition; Neoplastic Syndromes, Hereditary; Hereditary neoplastic syndrome; Hereditary Cancer Syndrome. Identifiers: Orphanet 140162, MedGen C0027672, MeSH D009386, MONDO:0015356.
AXIN2-related disorder.
Oligodontia-cancer predisposition syndrome. Also called: TOOTH AGENESIS-COLORECTAL CANCER SYNDROME. Identifiers: Orphanet 300576, MedGen C1837750, MONDO:0012075, OMIM 608615. Disease mechanism: loss of function.

Allele frequency attached by ClinVar (database versions not stated): ExAC 0.00001; gnomAD exomes 0.00002; TOPMed 0.00003.
gnomAD v4.1: 7 of 1,613,642 alleles (0.00043%); highest among the groups gnomAD compares: Admixed American, 0.01%; no homozygotes.

Submissions (5):

Labcorp Genetics (formerly Invitae), Labcorp
Classification: Likely benign for Oligodontia-cancer predisposition syndrome. Last evaluated: 2025-08-03. Review status: criteria provided, single submitter. Criteria: Invitae Variant Classification Sherloc (09022015). Collection method: clinical testing. Allele origin: germline.

Myriad Genetics, Inc.
Classification: Benign for Oligodontia-cancer predisposition syndrome. Last evaluated: 2024-07-09. Review status: criteria provided, single submitter. Criteria: Myriad Autosomal Dominant, Autosomal Recessive and X-Linked Classification Criteria (2023). Collection method: clinical testing. Allele origin: unknown.
Comment: This variant is considered benign. This variant is a silent/synonymous amino acid change and it is not expected to impact splicing.

Sema4
Classification: Likely benign for Hereditary cancer-predisposing syndrome. Last evaluated: 2021-08-09. Review status: criteria provided, single submitter. Criteria: Sema4 Curation Guidelines. Collection method: curation. Allele origin: germline.

Ambry Genetics
Classification: Likely benign for Hereditary cancer-predisposing syndrome. Last evaluated: 2021-03-09. Review status: criteria provided, single submitter. Criteria: Ambry Variant Classification Scheme 2023. Collection method: clinical testing. Allele origin: germline.

PreventionGenetics, part of Exact Sciences
Classification: Likely benign for AXIN2-related condition. Last evaluated: 2021-11-03. Review status: no assertion criteria provided. Collection method: clinical testing. Allele origin: germline. Not counted in ClinVar's aggregate classification.
Comment: This variant is classified as likely benign based on ACMG/AMP sequence variant interpretation guidelines (Richards et al. 2015 PMID: 25741868, with internal and published modifications).